The following is an entry in ClinVar:

ClinVar aggregate classification (germline): Uncertain significance (1 of 4 stars; one submission).

Conditions:
Hypertrophic cardiomyopathy. Also called: HYPERTROPHIC MYOCARDIOPATHY. Identifiers: Orphanet 217569, MedGen C0007194, MeSH D002312, MONDO:0005045, HP:0001639.

Submission:

Labcorp Genetics (formerly Invitae), Labcorp
Classification: Uncertain significance for Hypertrophic cardiomyopathy. Last evaluated: 2019-05-22. Review status: criteria provided, single submitter. Criteria: Invitae Variant Classification Sherloc (09022015). Collection method: clinical testing. Allele origin: germline.
Comment: In summary, the available evidence is currently insufficient to determine the role of this variant in disease. Therefore, it has been classified as a Variant of Uncertain Significance. Algorithms developed to predict the effect of missense changes on protein structure and function output the following: SIFT: "Tolerated"; PolyPhen-2: "Benign"; Align-GVGD: "Class C0". The arginine amino acid residue is found in multiple mammalian species, suggesting that this missense change does not adversely affect protein function. These predictions have not been confirmed by published functional studies and their clinical significance is uncertain. This variant has not been reported in the literature in individuals with MYBPC3-related conditions. This variant is not present in population databases (ExAC no frequency). This sequence change replaces histidine with arginine at codon 511 of the MYBPC3 protein (p.His511Arg). The histidine residue is moderately conserved and there is a small physicochemical difference between histidine and arginine.

NM_000256.3(MYBPC3):c.1532A>G (p.His511Arg)

Gene: MYBPC3 (myosin binding protein C3; minus strand). Cytogenetic location: 11p11.2.
Variant type: single nucleotide variant.
Coding change: c.1532A>G on transcript NM_000256.3 (MANE Select); coding-DNA position 1532, A replaced by G.
Protein change: p.His511Arg; replaces histidine 511 with arginine.
Molecular consequence: missense variant.
Genome position (GRCh38, 1-based): chr11:47,342,670, T>C on the plus strand (A>G on the coding strand, the complement: MYBPC3 is on the minus strand). VCF-style: chr11-47342670-T-C. GRCh37 (hg19) VCF-style: chr11-47364221-T-C.
Other names: short protein forms H511R.
Identifiers: ClinVar variation 945873 (VCV000945873.9), dbSNP rs2095889970, ClinGen allele CA380325161.